The following is an entry in ClinVar:

ClinVar aggregate classification (germline): Pathogenic (1 of 4 stars; one submission).

Conditions:
Acute infantile liver failure due to synthesis defect of mtDNA-encoded proteins. Also called: Liver failure acute infantile; LIVER FAILURE, INFANTILE, TRANSIENT; TRMU Deficiency. Identifiers: Orphanet 217371, MedGen C3278664, MONDO:0013111, OMIM 613070.

Submission:

Myriad Genetics, Inc.
Classification: Pathogenic for Acute infantile liver failure due to synthesis defect of mtDNA-encoded proteins. Last evaluated: 2024-05-14. Review status: criteria provided, single submitter. Criteria: Myriad Autosomal Dominant, Autosomal Recessive and X-Linked Classification Criteria (2023). Collection method: clinical testing. Allele origin: unknown.
Comment: NM_018006.4(TRMU):c.812_813ins5(G272Kfs*4) is expected to be pathogenic in the context of acute liver failure, TRMU-related. This variant is predicted to lead to an abnormal or absent protein product due to the creation of a premature termination codon in TRMU, a gene where loss-of-function variants are known to be pathogenic. Please note: this variant was assessed in the context of healthy population screening.

NM_018006.5(TRMU):c.812_813insAAAAT (p.Gly272fs)

Gene: TRMU (tRNA mitochondrial 2-thiouridylase; plus strand). Cytogenetic location: 22q13.31.
Variant type: Insertion.
Coding change: c.812_813insAAAAT on transcript NM_018006.5 (MANE Select); coding-DNA positions 812 to 813, AAAAT inserted.
Protein change: p.Gly272fs; shifts the reading frame from glycine 272.
Molecular consequence: frameshift variant. On other transcripts: non-coding transcript variant (2).
Genome position: GRCh38 VCF-style: chr22-46353806-G-GAAAAT. GRCh37 (hg19) VCF-style: chr22-46749703-G-GAAAAT.
Other names: c.470_471insAAAAT, p.Gly158fs (NM_001282782.2); c.392_393insAAAAT, p.Gly132fs (NM_001282783.2, NM_001282784.2); c.812_813insAAAAT, p.Gly272fs (NM_001282785.2); short protein forms G132fs, G158fs, G272fs.
Identifiers: ClinVar variation 5011018 (VCV005011018.1).